The following is an entry in ClinVar:

NM_012073.5(CCT5):c.2T>G (p.Met1Arg)

Gene: CCT5 (chaperonin containing TCP1 subunit 5; plus strand). Cytogenetic location: 5p15.2.
Variant type: single nucleotide variant.
Coding change: c.2T>G on transcript NM_012073.5 (MANE Select); coding-DNA position 2, T replaced by G.
Protein change: p.Met1Arg; changes the start codon (methionine 1).
Molecular consequence: missense variant, initiator codon variant. On other transcripts: intron variant (1).
Genome position (GRCh38, 1-based): chr5:10,250,342, T>G. VCF-style: chr5-10250342-T-G. GRCh37 (hg19) VCF-style: chr5-10250454-T-G.
Other names: c.2T>G, p.Met1Arg (NM_001306154.2); c.42+297T>G (NM_001306153.1); short protein forms M1R.
Identifiers: ClinVar variation 618555 (VCV000618555.9), dbSNP rs1355388433, ClinGen allele CA359179020.

ClinVar aggregate classification (germline): Uncertain significance (1 of 4 stars; one submission).

Allele frequency attached by ClinVar (database versions not stated): gnomAD exomes below 0.00001.

Submission:

ARUP Laboratories, Molecular Genetics and Genomics, ARUP Laboratories
Classification: Uncertain significance. Last evaluated: 2017-10-13. Review status: criteria provided, single submitter. Criteria: ARUP Molecular Germline Variant Investigation Process. Collection method: clinical testing. Allele origin: germline.
Comment: The c.2T>G variant is predicted to cause a start-loss of the CCT5 gene due to a change of the methionine initiation codon. This variant has not been reported in the medical literature, gene specific variation databases, nor has it been previously identified by our laboratory. The connection of CCT5 and hereditary sensory neuropathy with spastic paraplegia (MIM: 256840) is poorly understood at the present time. The HGMD database reports a single variant, the p.H147R, where it was shown to segregate in one Moroccan family with four affected homozygote siblings (Bouhouche, 2006). Since then, a single unaffected homozygote individual with p.H147R variant was reported by the Saudi Human Genome Program in an effort to uncover rare benign variants (Abouelhoda, 2016). The c.2T>G variant is listed in the Genome Aggregation Database (gnomAD) observed on a single chromosome out of 246,066. Given our current understanding, there is not enough evidence to classify the c.2T>G variant with certainty.